The following is an entry in ClinVar:

ClinVar aggregate classification (germline): Uncertain significance. Review status: criteria provided, multiple submitters, no conflicts (2 of 4 stars). 2 submissions from 2 submitters: Uncertain significance (2). Last evaluated 2026-03-25.

Conditions:
Developmental and epileptic encephalopathy, 11 (DEE11). Also called: Early infantile epileptic encephalopathy 11. Identifiers: Orphanet 1934, MedGen C3150987, MONDO:0013388, OMIM 613721.

Submissions (2):

GeneDx
Classification: Uncertain significance. Last evaluated: 2026-03-25. Review status: criteria provided, single submitter. Criteria: GeneDx Variant Classification Process June 2021. Collection method: clinical testing. Allele origin: germline.
Comment: Not observed at significant frequency in large population cohorts (gnomAD); In silico analysis supports that this missense variant has a deleterious effect on protein structure/function; Has not been previously published as pathogenic or benign to our knowledge; This substitution is predicted to be within the transmembrane segment S5 of the fourth homologous domain

Neuberg Centre For Genomic Medicine, NCGM
Classification: Uncertain significance for Developmental and epileptic encephalopathy, 11. Last evaluated: 2023-05-20. Review status: criteria provided, single submitter. Criteria: ACMG Guidelines, 2015. Collection method: clinical testing. Allele origin: germline. Inheritance: Autosomal dominant inheritance. Affected: yes.
Comment: The observed missense variant c.5011A>T(p.Met1671Leu) in SCN2A gene has not been reported previously as a pathogenic variant nor as a benign variant, to our knowledge. The c.5011A>T variant is absent in gnomAD Exomes. The amino acid Methionine at position 1671 is changed to a Leucine changing protein sequence and it might alter its composition and physico-chemical properties. Computational evidence (Polyphen-Benign/possibly Damaging, SIFT-Damaging and Mutation Taster-disease causing) predicts conflicting evidence on protein structure and function for this variant.The reference amino acid p.Met1671Leu in SCN2A is predicted as conserved by GERP++ and PhyloP across 100 vertebrates. For these reasons, this variant has been classified as Uncertain Significance.

NM_001040142.2(SCN2A):c.5011A>T (p.Met1671Leu)

Gene: SCN2A (sodium voltage-gated channel alpha subunit 2; plus strand). Cytogenetic location: 2q24.3.
Variant type: single nucleotide variant.
Coding change: c.5011A>T on transcript NM_001040142.2 (MANE Select); coding-DNA position 5011, A replaced by T.
Protein change: p.Met1671Leu; replaces methionine 1671 with leucine.
Molecular consequence: missense variant.
Genome position (GRCh38, 1-based): chr2:165,388,817, A>T. VCF-style: chr2-165388817-A-T. GRCh37 (hg19) VCF-style: chr2-166245327-A-T.
Other names: c.5011A>T, p.Met1671Leu (NM_001040143.2, NM_001371246.1, NM_001371247.1 and 1 more transcripts); c.5011A>T (NM_021007.2); short protein forms M1671L.
Identifiers: ClinVar variation 3367068 (VCV003367068.2).
Genomic context (GRCh38, chr2:165,388,817, plus strand): 5'-TTTGCTTTGATGATGTCCCTTCCTGCGTTGTTTAACATCGGCCTCCTTCTTTTCCTGGTC[A>T]TGTTCATCTACGCCATCTTTGGGATGTCCAATTTTGCCTATGTTAAGAGGGAAGTTGGGA-3'
Protein context (NP_001035232.1, residues 1661-1681): FNIGLLLFLV[Met1671Leu]FIYAIFGMSN